The following is an entry in ClinVar:

ClinVar aggregate classification (germline): Uncertain significance. Review status: criteria provided, multiple submitters, no conflicts (2 of 4 stars). 2 submissions from 2 submitters: Uncertain significance (2). Last evaluated 2025-11-12.

Conditions:
PIEZO1-related disorder. Also called: PIEZO1-related condition; PIEZO1-Related Disorders.

Submissions (2):

PreventionGenetics, part of Exact Sciences
Classification: Uncertain significance for PIEZO1-related condition. Last evaluated: 2025-11-12. Review status: criteria provided, single submitter. Criteria: ACMG Guidelines, 2015. Collection method: clinical testing. Allele origin: germline.
Comment: The PIEZO1 c.1849G>T variant is predicted to result in the amino acid substitution p.Val617Phe. To our knowledge, this variant has not been reported in the literature. This variant is absent in a large population database (gnomAD), indicating this variant is rare. At this time, the clinical significance of this variant is uncertain due to the absence of conclusive functional and genetic evidence.

Labcorp Genetics (formerly Invitae), Labcorp
Classification: Uncertain significance. Last evaluated: 2024-11-11. Review status: criteria provided, single submitter. Criteria: Invitae Variant Classification Sherloc (09022015). Collection method: clinical testing. Allele origin: germline.
Comment: This sequence change replaces valine, which is neutral and non-polar, with phenylalanine, which is neutral and non-polar, at codon 617 of the PIEZO1 protein (p.Val617Phe). This variant is not present in population databases (gnomAD no frequency). This variant has not been reported in the literature in individuals affected with PIEZO1-related conditions. An algorithm developed to predict the effect of missense changes on protein structure and function (PolyPhen-2) suggests that this variant is likely to be disruptive. In summary, the available evidence is currently insufficient to determine the role of this variant in disease. Therefore, it has been classified as a Variant of Uncertain Significance.

NM_001142864.4(PIEZO1):c.1849G>T (p.Val617Phe)

Genes: HSALR1 (HSP90AB1 associated lncRNA 1; plus strand), PIEZO1 (piezo type mechanosensitive ion channel component 1 (Er blood group); minus strand). Cytogenetic location: 16q24.3.
Variant type: single nucleotide variant.
Coding change: c.1849G>T on transcript NM_001142864.4 (MANE Select); coding-DNA position 1849, G replaced by T.
Protein change: p.Val617Phe; replaces valine 617 with phenylalanine.
Molecular consequence: missense variant.
Genome position (GRCh38, 1-based): chr16:88,734,798, C>A on the plus strand (G>T on the coding strand, the complement: PIEZO1 is on the minus strand). VCF-style: chr16-88734798-C-A. GRCh37 (hg19) VCF-style: chr16-88801206-C-A.
Other names: c.1849G>T (NM_001142864.3); short protein forms V617F.
Identifiers: ClinVar variation 3675043 (VCV003675043.3).